The following is an entry in ClinVar:

ClinVar aggregate classification (germline): Likely pathogenic. Review status: criteria provided, multiple submitters, no conflicts (2 of 4 stars). 6 submissions from 6 submitters: Likely pathogenic (6). Last evaluated 2026-09-08.

Conditions:
Fabry disease. Also called: GLA DEFICIENCY; HEREDITARY DYSTOPIC LIPIDOSIS; Fabry's disease; ALPHA-GALACTOSIDASE A DEFICIENCY; ANDERSON-FABRY DISEASE; CERAMIDE TRIHEXOSIDASE DEFICIENCY. Identifiers: Orphanet 324, MedGen C0002986, MONDO:0010526, OMIM 301500, HP:0001071. Disease mechanism: Fabry disease is due to inactivating mutations in the X-linked GLA gene resulting in deficiency of the enzyme Alpha Galactosidase-A., loss of function.

Submissions (6):

Genomenon, Inc
Classification: Likely pathogenic for Fabry disease. Last evaluated: 2026-09-08. Review status: criteria provided, single submitter. Criteria: Genomenon Sequence Variant Interpretation Standards - Updated. Collection method: curation. Allele origin: germline. Affected: yes.
Comment: GLA p.His46Pro (c.137A>C) is a missense variant that changes the amino acid at codon 46 from Histidine to Proline. This variant has been observed in at least one proband with clinical features consistent with Fabry disease (PMID:37847061;41204227). Functional or patient cell studies have been reported (PMID:32023956;19621417;23935525;27657681). This variant is located in a mutational hotspot and/or important functional domain. It is absent or not present at a significant frequency in gnomAD. In silico models predict that this variant is possibly or probably damaging. In conclusion, we classify GLA p.His46Pro (c.137A>C) as a likely pathogenic variant.

Natera, Inc.
Classification: Likely pathogenic for Fabry disease. Last evaluated: 2025-10-24. Review status: criteria provided, single submitter. Criteria: Natera Variant Classification Schema (03/2026). Collection method: clinical testing. Allele origin: germline.
Comment: The c.137A>C variant in GLA is a missense variant predicted to cause substitution of histidine to proline at amino acid 46. This variant is rare in the general population with a frequency below the threshold expected for the associated phenotype(s). This variant has been observed in affected individual(s) with monoallelic occurrence (heterozygous/hemizygous) (PMID: 19621417, 37847061, 38048861, 38739391). A different variant at the same position has been determined to be Pathogenic or Likely Pathogenic. Given the available evidence, this variant is classified as Likely Pathogenic.

Labcorp Genetics (formerly Invitae), Labcorp
Classification: Likely pathogenic for Fabry disease. Last evaluated: 2025-09-25. Review status: criteria provided, single submitter. Criteria: Invitae Variant Classification Sherloc (09022015). Collection method: clinical testing. Allele origin: germline.
Comment: This sequence change replaces histidine, which is basic and polar, with proline, which is neutral and non-polar, at codon 46 of the GLA protein (p.His46Pro). This variant is not present in population databases (gnomAD no frequency). This missense change has been observed in individual(s) with Fabry disease (PMID: 19621417). ClinVar contains an entry for this variant (Variation ID: 2138671). Invitae Evidence Modeling of protein sequence and biophysical properties (such as structural, functional, and spatial information, amino acid conservation, physicochemical variation, residue mobility, and thermodynamic stability) indicates that this missense variant is not expected to disrupt GLA protein function with a negative predictive value of 80%. Experimental studies have shown that this missense change affects GLA function (PMID: 19621417, 23935525). This variant disrupts the p.His46 amino acid residue in GLA. Other variant(s) that disrupt this residue have been observed in individuals with GLA-related conditions (PMID: 11668641, 19621417, 22498845, 30804731), which suggests that this may be a clinically significant amino acid residue. In summary, the currently available evidence indicates that the variant is pathogenic, but additional data are needed to prove that conclusively. Therefore, this variant has been classified as Likely Pathogenic.

Revvity Omics, Revvity
Classification: Likely pathogenic. Last evaluated: 2025-03-26. Review status: criteria provided, single submitter. Criteria: ACMG Guidelines, 2015. Collection method: clinical testing. Allele origin: germline.

3billion
Classification: Likely pathogenic for Fabry disease. Last evaluated: 2024-11-15. Review status: criteria provided, single submitter. Criteria: ACMG Guidelines, 2015. Collection method: clinical testing. Allele origin: germline. Affected: yes.
Comment: The variant is not observed in the gnomAD v4.1.0 dataset. Predicted Consequence/Location: Missense variant In silico tool predictions suggest damaging effect of the variant on gene or gene product [REVEL: 0.69 (>=0.6, sensitivity 0.68 and specificity 0.92); 3Cnet: 0.95 (>=0.6, sensitivity 0.72 and precision 0.9)]. The same nucleotide change resulting in the same amino acid change has been previously reported as pathogenic/likely pathogenic with strong evidence (ClinVar ID: VCV002138671 /PMID: 19621417). Different missense changes at the same codon (p.His46Arg, p.His46Leu, p.His46Tyr) have been reported as pathogenic/likely pathogenic with strong evidence (ClinVar ID: VCV000092543, VCV000193057, VCV000992237 /PMID: 11668641, 9100224). Therefore, this variant is classified as Likely pathogenic according to the recommendation of ACMG/AMP guideline.

Juno Genomics, Hangzhou Juno Genomics, Inc
Classification: Likely pathogenic for Fabry disease. Review status: criteria provided, single submitter. Criteria: ACMG Guidelines, 2015. Collection method: clinical testing. Allele origin: germline.
Comment: Absent from controls (or at extremely low frequency if recessive) in Genome Aggregation Database.;The prevalence of the variant in affected individuals is significantly increased compared to the prevalence in controls.;Patient's phenotype or family history is highly specific for a disease with a single genetic etiology.;Well-established in vitro or in vivo functional studies supportive of a damaging effect on the gene or gene product.;Novel missense change at an amino acid residue where a different missense change determined to be pathogenic has been seen before.

Literature cited by the submitters: PubMed 37847061 (cited by Genomenon, Inc and Natera, Inc.); PubMed 41204227 (cited by Genomenon, Inc); PubMed 32023956 (cited by Genomenon, Inc); PubMed 19621417 (cited by 4 submitters); PubMed 23935525 (cited by Genomenon, Inc and Labcorp Genetics (formerly Invitae), Labcorp); PubMed 27657681 (cited by Genomenon, Inc); PubMed 38048861 (cited by Natera, Inc.); PubMed 38739391 (cited by Natera, Inc.); PubMed 11668641 (cited by Labcorp Genetics (formerly Invitae), Labcorp and 3billion); PubMed 22498845 (cited by Labcorp Genetics (formerly Invitae), Labcorp); PubMed 30804731 (cited by Labcorp Genetics (formerly Invitae), Labcorp).

NM_000169.3(GLA):c.137A>C (p.His46Pro)

Genes: GLA (galactosidase alpha; minus strand), RPL36A-HNRNPH2 (RPL36A-HNRNPH2 readthrough; plus strand). Cytogenetic location: Xq22.1.
Variant type: single nucleotide variant.
Coding change: c.137A>C on transcript NM_000169.3 (MANE Select); coding-DNA position 137, A replaced by C.
Protein change: p.His46Pro; replaces histidine 46 with proline.
Molecular consequence: missense variant. On other transcripts: non-coding transcript variant (3), intron variant (2).
Genome position (GRCh38, 1-based): chrX:101,407,767, T>G on the plus strand (A>C on the coding strand, the complement: GLA is on the minus strand). VCF-style: chrX-101407767-T-G. GRCh37 (hg19) VCF-style: chrX-100662755-T-G.
Other names: c.137A>C, p.His46Pro (NM_001406747.1, NM_001406748.1, NM_001406749.1); c.301-4169T>G (NM_001199973.2); c.178-4169T>G (NM_001199974.2); short protein forms H46P.
Identifiers: ClinVar variation 2138671 (VCV002138671.12), dbSNP rs398123203, ClinGen allele CA413937084.
Genomic context (GRCh38, chrX:101,407,767, plus strand): 5'-TACCTGATGCAGGAATCTGGCTCTTCCTGGCAGTCAAGGTTGCACATGAAGCGCTCCCAG[T>G]GCAGCCAGCCCATGGTAGGCGTCCTTGCCAATCCATTGTCCAGTGCTCTAGCCCCAGGGA-3'
Protein context (NP_000160.1, residues 36-56): LARTPTMGWL[His46Pro]WERFMCNLDC